The following is an entry in ClinVar:

NM_001193369.2(DIDO1):c.933G>A (p.Gly311=)

Gene: DIDO1 (death inducer-obliterator 1; minus strand). Cytogenetic location: 20q13.33.
Variant type: single nucleotide variant.
Coding change: c.933G>A on transcript NM_001193369.2 (MANE Select); coding-DNA position 933, G replaced by A.
Protein change: p.Gly311=; no amino-acid change (glycine 311 retained).
Molecular consequence: synonymous variant.
Genome position (GRCh38, 1-based): chr20:62,909,927, C>T on the plus strand (G>A on the coding strand, the complement: DIDO1 is on the minus strand). VCF-style: chr20-62909927-C-T. GRCh37 (hg19) VCF-style: chr20-61541279-C-T.
Other names: c.933G>A, p.Gly311= (NM_001193370.2, NM_022105.5, NM_033081.3 and 2 more transcripts).
Identifiers: ClinVar variation 4874806 (VCV004874806.2).

ClinVar aggregate classification (germline): Likely benign (1 of 4 stars; one submission).

Submission:

CeGaT Center for Human Genetics Tuebingen
Classification: Likely benign. Last evaluated: 2026-04-01. Review status: criteria provided, single submitter. Criteria: CeGaT Center For Human Genetics Tuebingen Variant Classification Criteria Version 2. Collection method: clinical testing. Allele origin: germline. Affected: yes. Observed: 1 variant allele.
Comment: DIDO1: PM2:Supporting, BP4, BP7